The following is an entry in ClinVar:

NM_006514.4(SCN10A):c.190C>T (p.Pro64Ser)

Gene: SCN10A (sodium voltage-gated channel alpha subunit 10; minus strand). Cytogenetic location: 3p22.2.
Variant type: single nucleotide variant.
Coding change: c.190C>T on transcript NM_006514.4 (MANE Select); coding-DNA position 190, C replaced by T.
Protein change: p.Pro64Ser; replaces proline 64 with serine.
Molecular consequence: missense variant.
Genome position (GRCh38, 1-based): chr3:38,793,821, G>A on the plus strand (C>T on the coding strand, the complement: SCN10A is on the minus strand). VCF-style: chr3-38793821-G-A. GRCh37 (hg19) VCF-style: chr3-38835312-G-A.
Other names: c.190C>T, p.Pro64Ser (NM_001293306.2, NM_001293307.2); short protein forms P64S.
Identifiers: ClinVar variation 1382855 (VCV001382855.8), dbSNP rs2126061757, ClinGen allele CA352162780.
Genomic context (GRCh38, chr3:38,793,821, plus strand): 5'-GATCTAGATCCTCCAGGGGCTCCCCGATCAGTTCTGCTGGGAGCTCACCATAGAACTTGG[G>A]CAGCTGGTTGCAGGCTTTCAAGTCCAGCTGGGGCCGAGGCTTCTCTTCTTGGTCCTTCTG-3'
Protein context (NP_006505.4, residues 54-74): QLDLKACNQL[Pro64Ser]KFYGELPAEL

ClinVar aggregate classification (germline): Uncertain significance (1 of 4 stars; one submission).

Conditions:
Brugada syndrome. Also called: Sudden unexplained nocturnal death syndrome; Sudden Unexplained Death Syndrome; Sudden Unexplained Nocturnal Death Syndrome (SUNDS); Sudden unexpected nocturnal death syndrome. Identifiers: Orphanet 130, MedGen C1142166, MONDO:0015263.

Allele frequency attached by ClinVar (database versions not stated): gnomAD exomes below 0.00001.
gnomAD v4.1: 1 of 1,613,952 alleles (0.000062%); highest among the groups gnomAD compares: East Asian, 0.0022%; no homozygotes.

Submission:

Labcorp Genetics (formerly Invitae), Labcorp
Classification: Uncertain significance for Brugada syndrome. Last evaluated: 2021-03-30. Review status: criteria provided, single submitter. Criteria: Invitae Variant Classification Sherloc (09022015). Collection method: clinical testing. Allele origin: germline.
Comment: This sequence change replaces proline with serine at codon 64 of the SCN10A protein (p.Pro64Ser). The proline residue is highly conserved and there is a moderate physicochemical difference between proline and serine. This variant is not present in population databases (ExAC no frequency). This variant has not been reported in the literature in individuals with SCN10A-related conditions. Advanced modeling of protein sequence and biophysical properties (such as structural, functional, and spatial information, amino acid conservation, physicochemical variation, residue mobility, and thermodynamic stability) performed at Invitae indicates that this missense variant is expected to disrupt SCN10A protein function. In summary, the available evidence is currently insufficient to determine the role of this variant in disease. Therefore, it has been classified as a Variant of Uncertain Significance.